The following is an entry in ClinVar:

NM_001283009.2(RTEL1):c.997G>C (p.Glu333Gln)

Genes: RTEL1 (regulator of telomere elongation helicase 1; plus strand), RTEL1-TNFRSF6B (RTEL1-TNFRSF6B readthrough (NMD candidate); plus strand). Cytogenetic location: 20q13.33.
Variant type: single nucleotide variant.
Coding change: c.997G>C on transcript NM_001283009.2 (MANE Select); coding-DNA position 997, G replaced by C.
Protein change: p.Glu333Gln; replaces glutamic acid 333 with glutamine.
Molecular consequence: missense variant. On other transcripts: non-coding transcript variant (1).
Genome position (GRCh38, 1-based): chr20:63,678,306, G>C. VCF-style: chr20-63678306-G-C. GRCh37 (hg19) VCF-style: chr20-62309659-G-C.
Other names: c.328G>C, p.Glu110Gln (NM_001283010.1); c.997G>C, p.Glu333Gln (NM_016434.4); c.1069G>C, p.Glu357Gln (NM_032957.5); short protein forms E333Q, E357Q, E110Q.
Identifiers: ClinVar variation 3315621 (VCV003315621.1).

ClinVar aggregate classification (germline): Uncertain significance (1 of 4 stars; one submission).

Conditions:
Inborn genetic diseases. Identifiers: MedGen C0950123, MeSH D030342.

Submission:

Ambry Genetics
Classification: Uncertain significance for Inborn genetic diseases. Last evaluated: 2024-04-28. Review status: criteria provided, single submitter. Criteria: Ambry Variant Classification Scheme 2023. Collection method: clinical testing. Allele origin: germline.
Comment: The p.E357Q variant (also known as c.1069G>C), located in coding exon 11 of the RTEL1 gene, results from a G to C substitution at nucleotide position 1069. The glutamic acid at codon 357 is replaced by glutamine, an amino acid with highly similar properties. This amino acid position is conserved. In addition, this alteration is predicted to be tolerated by in silico analysis. Based on the available evidence, the clinical significance of this variant remains unclear.